The following is an entry in ClinVar:

NM_015335.5(MED13L):c.4490C>G (p.Ser1497Cys)

Gene: MED13L (mediator complex subunit 13L; minus strand). Cytogenetic location: 12q24.21.
Variant type: single nucleotide variant.
Coding change: c.4490C>G on transcript NM_015335.5 (MANE Select); coding-DNA position 4490, C replaced by G.
Protein change: p.Ser1497Cys; replaces serine 1497 with cysteine.
Molecular consequence: missense variant.
Genome position (GRCh38, 1-based): chr12:115,984,221, G>C on the plus strand (C>G on the coding strand, the complement: MED13L is on the minus strand). VCF-style: chr12-115984221-G-C. GRCh37 (hg19) VCF-style: chr12-116422026-G-C.
Other names: short protein forms S1497C.
Identifiers: ClinVar variation 4804834 (VCV004804834.1).

ClinVar aggregate classification (germline): Uncertain significance (1 of 4 stars; one submission).

Conditions:
Dextro-looped transposition of the great arteries. Also called: Dextrotransposition of the great arteries. Identifiers: Orphanet 860, MedGen C3531771, MONDO:0019443, OMIM 608808, HP:0031348.

gnomAD v4.1: 1 of 1,613,910 alleles (0.000062%); highest among the groups gnomAD compares: Admixed American, 0.0017%; no homozygotes.

Submission:

Labcorp Genetics (formerly Invitae), Labcorp
Classification: Uncertain significance for Dextro-looped transposition of the great arteries. Last evaluated: 2025-12-24. Review status: criteria provided, single submitter. Criteria: Invitae Variant Classification Sherloc (09022015). Collection method: clinical testing. Allele origin: germline.
Comment: This sequence change replaces serine, which is neutral and polar, with cysteine, which is neutral and slightly polar, at codon 1497 of the MED13L protein (p.Ser1497Cys). This variant is present in population databases (rs763779891, gnomAD 0.003%). This variant has not been reported in the literature in individuals affected with MED13L-related conditions. Invitae Evidence Modeling of protein sequence and biophysical properties (such as structural, functional, and spatial information, amino acid conservation, physicochemical variation, residue mobility, and thermodynamic stability) indicates that this missense variant is not expected to disrupt MED13L protein function with a negative predictive value of 80%. In summary, the available evidence is currently insufficient to determine the role of this variant in disease. Therefore, it has been classified as a Variant of Uncertain Significance.